The following is an entry in ClinVar:

ClinVar aggregate classification (germline): Likely benign. Review status: criteria provided, multiple submitters, no conflicts (2 of 4 stars). 2 submissions from 2 submitters: Likely benign (2). Last evaluated 2021-05-10.

Conditions:
Autoimmune lymphoproliferative syndrome type 2B. Also called: AUTOIMMUNE LYMPHOPROLIFERATIVE SYNDROME, TYPE IIB. Identifiers: Orphanet 275517, MedGen C1846545, MONDO:0011804, OMIM 607271.

Allele frequency attached by ClinVar (database versions not stated): 1000 Genomes Project 0.00240; 1000 Genomes Project 30x 0.00250; TOPMed 0.00644; gnomAD 0.00669 and 0.00687; gnomAD exomes 0.00952.
gnomAD v4.1: 12,354 of 1,357,754 alleles (0.91%); highest among the groups gnomAD compares: Non-Finnish European, 1.1%; 71 homozygotes.

Submissions (2):

GeneDx
Classification: Likely benign. Last evaluated: 2021-05-10. Review status: criteria provided, single submitter. Criteria: GeneDx Variant Classification Process June 2021. Collection method: clinical testing. Allele origin: germline. Affected: yes.
Comment: See Variant Classification Assertion Criteria.

Illumina Laboratory Services, Illumina
Classification: Likely benign for Autoimmune lymphoproliferative syndrome type 2B. Last evaluated: 2018-01-13. Review status: criteria provided, single submitter. Criteria: ICSL Variant Classification Criteria 13 December 2019. Collection method: clinical testing. Allele origin: germline.
Comment: This variant was observed in the ICSL laboratory as part of a predisposition screen in an ostensibly healthy population. It had not been previously curated by ICSL or reported in the Human Gene Mutation Database (HGMD: prior to June 1st, 2018), and was therefore a candidate for classification through an automated scoring system. Utilizing variant allele frequency, disease prevalence and penetrance estimates, and inheritance mode, an automated score was calculated to assess if this variant is too frequent to cause the disease. Based on the score and internal cut-off values, a variant classified as likely benign is not then subjected to further curation. The score for this variant resulted in a classification of likely benign for this disease.

NM_001372051.1(CASP8):c.*71G>A

Gene: CASP8 (caspase 8; plus strand). Cytogenetic location: 2q33.1.
Variant type: single nucleotide variant.
Coding change: c.*71G>A on transcript NM_001372051.1 (MANE Select); 71 bases downstream of the stop codon, G replaced by A.
Molecular consequence: 3 prime UTR variant. On other transcripts: non-coding transcript variant (22).
Genome position (GRCh38, 1-based): chr2:201,286,665, G>A. VCF-style: chr2-201286665-G-A. GRCh37 (hg19) VCF-style: chr2-202151388-G-A.
Other names: c.*71G>A (NM_001080124.2, NM_001080125.2, NM_001228.5 and 35 more transcripts).
Identifiers: ClinVar variation 897578 (VCV000897578.5), dbSNP rs41309822, ClinGen allele CA63894312.